The following is an entry in ClinVar:

ClinVar aggregate classification (germline): Benign/Likely benign. Review status: criteria provided, multiple submitters, no conflicts (2 of 4 stars). 4 submissions from 4 submitters: Benign (1); Likely benign (3). Last evaluated 2026-01-24.

Conditions:
Xeroderma pigmentosum (XP). Identifiers: Orphanet 910, MedGen C0043346, MONDO:0019600.

Submissions (4):

Labcorp Genetics (formerly Invitae), Labcorp
Classification: Benign. Last evaluated: 2026-01-24. Review status: criteria provided, single submitter. Criteria: Invitae Variant Classification Sherloc (09022015). Collection method: clinical testing. Allele origin: germline.

CeGaT Center for Human Genetics Tuebingen
Classification: Likely benign. Last evaluated: 2024-11-01. Review status: criteria provided, single submitter. Criteria: CeGaT Center For Human Genetics Tuebingen Variant Classification Criteria Version 2. Collection method: clinical testing. Allele origin: germline. Affected: yes. Observed: 1 variant allele.
Comment: XPA: BP4

Blueprint Genetics
Classification: Likely benign. Last evaluated: 2024-09-19. Review status: criteria provided, single submitter. Criteria: ACMG Guidelines, 2015. Collection method: clinical testing. Allele origin: germline.

Sema4
Classification: Likely benign for Xeroderma pigmentosum. Last evaluated: 2022-02-26. Review status: criteria provided, single submitter. Criteria: Sema4 Curation Guidelines. Collection method: curation. Allele origin: germline.

NM_000380.4(XPA):c.674-12dup

Gene: XPA (XPA, DNA damage recognition and repair factor; minus strand). Cytogenetic location: 9q22.33.
Variant type: Duplication.
Coding change: c.674-12dup on transcript NM_000380.4 (MANE Select); 12 bases into the intron before coding-DNA position 674, one base duplicated (T; older notation c.674-12dupT).
Molecular consequence: intron variant.
Genome position (GRCh38, 1-based): chr9:97,675,591, A duplicated on the plus strand (T on the coding strand, the reverse complement: XPA is on the minus strand); the first of 9 consecutive A bases (chr9:97,675,591-97,675,599); duplicating any one gives the same sequence. VCF-style (leftmost placement, unchanged base first): chr9-97675590-G-GA. GRCh37 (hg19) VCF-style: chr9-100437872-G-GA.
Other names: c.548-12dup (NM_001354975.2).
Identifiers: ClinVar variation 1169171 (VCV001169171.25), dbSNP rs770101529, ClinGen allele CA5148705.